The following is an entry in ClinVar:

ClinVar aggregate classification (germline): Uncertain significance. Review status: criteria provided, multiple submitters, no conflicts (2 of 4 stars). 2 submissions from 2 submitters: Uncertain significance (2). Last evaluated 2026-07-30.

Conditions:
Tuberous sclerosis syndrome (TSC). Also called: Tuberous Sclerosis Complex; Tuberous sclerosis. Identifiers: Orphanet 805, MedGen C0041341, MONDO:0001734.
Tuberous sclerosis 2 (TSC2). Identifiers: Orphanet 805, MedGen C1860707, MONDO:0013199, OMIM 613254.

Submissions (2):

Cambridge Genomics Laboratory, East Genomic Laboratory Hub, NHS Genomic Medicine Service
Classification: Uncertain significance for Tuberous sclerosis. Last evaluated: 2026-07-30. Review status: criteria provided, single submitter. Criteria: ACGS Best Practice Guidelines for Variant Classification in Rare Disease 2020. Collection method: clinical testing. Allele origin: germline. Affected: yes.
Comment: PM1_Supporting,PM2

Labcorp Genetics (formerly Invitae), Labcorp
Classification: Uncertain significance for Tuberous sclerosis 2. Last evaluated: 2022-03-16. Review status: criteria provided, single submitter. Criteria: Invitae Variant Classification Sherloc (09022015). Collection method: clinical testing. Allele origin: germline.
Comment: This variant has not been reported in the literature in individuals affected with TSC2-related conditions. This variant is not present in population databases (gnomAD no frequency). This sequence change replaces cysteine, which is neutral and slightly polar, with phenylalanine, which is neutral and non-polar, at codon 256 of the TSC2 protein (p.Cys256Phe). ClinVar contains an entry for this variant (Variation ID: 582395). In summary, the available evidence is currently insufficient to determine the role of this variant in disease. Therefore, it has been classified as a Variant of Uncertain Significance. Advanced modeling of protein sequence and biophysical properties (such as structural, functional, and spatial information, amino acid conservation, physicochemical variation, residue mobility, and thermodynamic stability) performed at Invitae indicates that this missense variant is not expected to disrupt TSC2 protein function.

NM_000548.5(TSC2):c.767G>T (p.Cys256Phe)

Gene: TSC2 (TSC complex subunit 2; plus strand). Cytogenetic location: 16p13.3.
Variant type: single nucleotide variant.
Coding change: c.767G>T on transcript NM_000548.5 (MANE Select); coding-DNA position 767, G replaced by T.
Protein change: p.Cys256Phe; replaces cysteine 256 with phenylalanine.
Molecular consequence: missense variant.
Genome position (GRCh38, 1-based): chr16:2,056,762, G>T. VCF-style: chr16-2056762-G-T. GRCh37 (hg19) VCF-style: chr16-2106763-G-T.
Other names: c.767G>T, p.Cys256Phe (NM_001077183.3, NM_001114382.3, NM_001363528.2 and 3 more transcripts); c.656G>T, p.Cys219Phe (NM_001318827.2); c.620G>T, p.Cys207Phe (NM_001318829.2); c.167G>T, p.Cys56Phe (NM_001318831.2); c.800G>T, p.Cys267Phe (NM_001318832.2); short protein forms C256F, C219F, C56F, C207F, C267F.
Identifiers: ClinVar variation 582395 (VCV000582395.9), dbSNP rs1567409304, ClinGen allele CA394312814.
Genomic context (GRCh38, chr16:2,056,762, plus strand): 5'-TCCCGCTGTTCATCGTTACCCTCTGTCGCACCATCAACGTCAAGGAGCTCTGCGAGCCTT[G>T]CTGGAAGGTGGGGTTTCTGAAACTGCTCTGGAAGGTTCCTGAGAGCACATGGATGGGACA-3'
Protein context (NP_000539.2, residues 246-266): TINVKELCEP[Cys256Phe]WKLMRNLLGT